The following is an entry in ClinVar:

ClinVar aggregate classification (germline): Uncertain significance (1 of 4 stars; one submission).

Conditions:
Familial thoracic aortic aneurysm and aortic dissection (TAAD). Also called: Thoracic aortic aneurysms and dissections. Identifiers: Orphanet 91387, MedGen C4707243, MONDO:0019625.

Submission:

Ambry Genetics
Classification: Uncertain significance for Familial thoracic aortic aneurysm and aortic dissection. Last evaluated: 2026-02-19. Review status: criteria provided, single submitter. Criteria: Ambry Variant Classification Scheme 2023. Collection method: clinical testing. Allele origin: germline.
Comment: The p.S399Y variant (also known as c.1196C>A), located in coding exon 11 of the PRKG1 gene, results from a C to A substitution at nucleotide position 1196. The serine at codon 399 is replaced by tyrosine, an amino acid with dissimilar properties. This amino acid position is conserved. In addition, this alteration is predicted to be tolerated by in silico analysis. Based on the available evidence, the clinical significance of this variant remains unclear.

NM_006258.4(PRKG1):c.1196C>A (p.Ser399Tyr)

Gene: PRKG1 (protein kinase cGMP-dependent 1; plus strand). Cytogenetic location: 10q21.1.
Variant type: single nucleotide variant.
Coding change: c.1196C>A on transcript NM_006258.4 (MANE Select); coding-DNA position 1196, C replaced by A.
Protein change: p.Ser399Tyr; replaces serine 399 with tyrosine.
Molecular consequence: missense variant. On other transcripts: 5 prime UTR variant (1).
Genome position (GRCh38, 1-based): chr10:52,271,372, C>A. VCF-style: chr10-52271372-C-A. GRCh37 (hg19) VCF-style: chr10-54031132-C-A.
Other names: c.1151C>A, p.Ser384Tyr (NM_001098512.3); c.-14C>A (NM_001374781.1); short protein forms S384Y, S399Y.
Identifiers: ClinVar variation 4824224 (VCV004824224.1).